The following is an entry in ClinVar:

NM_000016.6(ACADM):c.1054_1057dup (p.Tyr353fs)

Gene: ACADM (acyl-CoA dehydrogenase medium chain; plus strand). Cytogenetic location: 1p31.1.
Variant type: Duplication.
Coding change: c.1054_1057dup on transcript NM_000016.6 (MANE Select); coding-DNA positions 1054 to 1057, 4 bases duplicated (TATT; older notation c.1054_1057dupTATT).
Protein change: p.Tyr353fs; shifts the reading frame from tyrosine 353.
Molecular consequence: frameshift variant.
Genome position (GRCh38, 1-based): chr1:75,761,230-75,761,233, TATT duplicated. VCF-style (leftmost placement, unchanged base first): chr1-75761229-C-CTATT. GRCh37 (hg19) VCF-style: chr1-76226914-C-CTATT.
Other names: c.1066_1069dup, p.Tyr357fs (NM_001127328.3); c.946_949dup, p.Tyr317fs (NM_001286042.2); c.1153_1156dup, p.Tyr386fs (NM_001286043.2); c.487_490dup, p.Tyr164fs (NM_001286044.2); short protein forms Y164fs, Y317fs, Y357fs, Y386fs, Y353fs.
Identifiers: ClinVar variation 2002273 (VCV002002273.4), dbSNP rs2525698997, ClinGen allele CA2580063251.

ClinVar aggregate classification (germline): Pathogenic (1 of 4 stars; one submission).

Conditions:
Medium-chain acyl-coenzyme A dehydrogenase deficiency (ACADMD). Also called: ACADM DEFICIENCY; CARNITINE DEFICIENCY SECONDARY TO MEDIUM-CHAIN ACYL-CoA DEHYDROGENASE DEFICIENCY; MCADH DEFICIENCY; Medium chain acyl-CoA dehydrogenase deficiency; MCAD Deficiency; MCADD. Identifiers: Orphanet 42, MedGen C0220710, MONDO:0008721, OMIM 201450.

Submission:

Labcorp Genetics (formerly Invitae), Labcorp
Classification: Pathogenic for Medium-chain acyl-coenzyme A dehydrogenase deficiency. Last evaluated: 2024-02-05. Review status: criteria provided, single submitter. Criteria: Invitae Variant Classification Sherloc (09022015). Collection method: clinical testing. Allele origin: germline.
Comment: This sequence change creates a premature translational stop signal (p.Tyr353Leufs*20) in the ACADM gene. It is expected to result in an absent or disrupted protein product. Loss-of-function variants in ACADM are known to be pathogenic (PMID: 16121256, 20434380). This variant is not present in population databases (gnomAD no frequency). This variant has not been reported in the literature in individuals affected with ACADM-related conditions. ClinVar contains an entry for this variant (Variation ID: 2002273). For these reasons, this variant has been classified as Pathogenic.

Literature cited by the submitters: PubMed 16121256; PubMed 20434380.